The following is an entry in ClinVar:

NM_000038.6(APC):c.4054_4063dup (p.Ser1355delinsCysTer)

Gene: APC (APC regulator of Wnt signaling pathway; plus strand). Cytogenetic location: 5q22.2.
Variant type: Duplication.
Coding change: c.4054_4063dup on transcript NM_000038.6 (MANE Select); coding-DNA positions 4054 to 4063, 10 bases duplicated (GTTGAATTTT; older notation c.4054_4063dupGTTGAATTTT).
Protein change: p.Ser1355delinsCysTer.
Molecular consequence: nonsense.
Genome position (GRCh38, 1-based): chr5:112,839,648-112,839,657, GTTGAATTTT duplicated; duplicating any 10 consecutive bases within chr5:112,839,647-112,839,657 gives the same sequence; the c. name uses the placement nearest the transcript's 3' end. VCF-style (leftmost placement, unchanged base first): chr5-112839646-C-CTGTTGAATTT. GRCh37 (hg19) VCF-style: chr5-112175343-C-CTGTTGAATTT.
Other names: c.4054_4063dup, p.Ser1355delinsCysTer (NM_001127510.3, NM_001354895.2); c.4000_4009dup, p.Ser1337delinsCysTer (NM_001127511.3); c.4108_4117dup, p.Ser1373delinsCysTer (NM_001354896.2); c.4084_4093dup, p.Ser1365delinsCysTer (NM_001354897.2); c.3979_3988dup, p.Ser1330delinsCysTer (NM_001354898.2); c.3970_3979dup, p.Ser1327delinsCysTer (NM_001354899.2); c.3931_3940dup, p.Ser1314delinsCysTer (NM_001354900.2); c.3877_3886dup, p.Ser1296delinsCysTer (NM_001354901.2); and 5 more.
Identifiers: ClinVar variation 824541 (VCV000824541.4), dbSNP rs1561589459, ClinGen allele CA915943487.

ClinVar aggregate classification (germline): Pathogenic (1 of 4 stars; one submission).

Conditions:
Hereditary cancer-predisposing syndrome. Also called: Neoplastic Syndromes, Hereditary; Tumor predisposition; Hereditary neoplastic syndrome; Hereditary Cancer Syndrome. Identifiers: Orphanet 140162, MedGen C0027672, MeSH D009386, MONDO:0015356.

Submission:

Ambry Genetics
Classification: Pathogenic for Hereditary cancer-predisposing syndrome. Last evaluated: 2019-04-26. Review status: criteria provided, single submitter. Criteria: Ambry Variant Classification Scheme 2023. Collection method: clinical testing. Allele origin: germline.
Comment: The c.4054_4063dup10 variant, located in coding exon 15 of the APC gene, results from a duplication of GTTGAATTTT at nucleotide position 4054, causing a translational frameshift with a predicted alternate stop codon (p.S1355Cfs*2). This alteration is expected to result in loss of function by premature protein truncation or nonsense-mediated mRNA decay. As such, this alteration is interpreted as a disease-causing mutation.